The following is an entry in ClinVar:

NM_025114.4(CEP290):c.3750_3753delinsA (p.Tyr1250_Tyr1251delinsTer)

Gene: CEP290 (centrosomal protein 290; minus strand). Cytogenetic location: 12q21.32.
Variant type: Indel.
Coding change: c.3750_3753delinsA on transcript NM_025114.4 (MANE Select); coding-DNA positions 3750 to 3753, TTAT replaced by A.
Protein change: p.Tyr1250_Tyr1251delinsTer.
Molecular consequence: nonsense.
Genome position (GRCh38, 1-based): chr12:88,089,308-88,089,311, ATAA replaced by T on the plus strand (TTAT replaced by A on the coding strand, the reverse complement: CEP290 is on the minus strand). VCF-style: chr12-88089308-ATAA-T. GRCh37 (hg19) VCF-style: chr12-88483085-ATAA-T.
Other names: c.3750_3753delinsA (NM_025114.3).
Identifiers: ClinVar variation 2680571 (VCV002680571.2), dbSNP rs2500111273, ClinGen allele CA2695199153.
Genomic context (GRCh38, chr12:88,089,308, plus strand): 5'-TCGTAGAGACTGAATTGTTTGGCGCAGATGTTTTGCTCTGTTTCTTCCCTCCAAACGAGC[ATAA>T]TAGAGAGCCTGTTCTTTTTCATCAAGTTTCTGCTCTAAGCGCAAGTTGTAGGCCTCCATC-3'

ClinVar aggregate classification (germline): Likely pathogenic. Review status: criteria provided, multiple submitters, no conflicts (2 of 4 stars). 2 submissions from 2 submitters: Likely pathogenic (2). Last evaluated 2025-01-15.

Conditions:
Bardet-Biedl syndrome 14 (BBS14). Identifiers: Orphanet 110, MedGen C2673874, MONDO:0014442, OMIM 615991.
CEP290-related disorder. Also called: CEP290-related disorders; CEP290-related condition. Identifiers: MedGen CN239314.

Submissions (2):

PreventionGenetics, part of Exact Sciences
Classification: Likely pathogenic for CEP290-related condition. Last evaluated: 2025-01-15. Review status: criteria provided, single submitter. Criteria: ACMG Guidelines, 2015. Collection method: clinical testing. Allele origin: germline.
Comment: The CEP290 c.3750_3753delinsA variant is predicted to result in premature protein termination (p.Tyr1250*). To our knowledge, this variant has not been reported in the literature or in a large population database (gnomAD), indicating this variant is rare. Nonsense variants in CEP290 are expected to be pathogenic. This variant is interpreted as likely pathogenic.

Baylor Genetics
Classification: Likely pathogenic for Bardet-Biedl syndrome 14. Last evaluated: 2023-10-25. Review status: criteria provided, single submitter. Criteria: ACMG Guidelines, 2015. Collection method: clinical testing. Allele origin: unknown.